The following is an entry in ClinVar:

ClinVar aggregate classification (germline): Benign. Review status: criteria provided, multiple submitters, no conflicts (2 of 4 stars). 5 submissions from 5 submitters: Benign (5). Last evaluated 2026-02-03.

Conditions:
Age related macular degeneration 1 (ARMD1). Also called: MACULOPATHY, AGE-RELATED, 1. Identifiers: MedGen C1864205, MONDO:0011285, OMIM 603075.

Allele frequency attached by ClinVar (database versions not stated): ExAC 0.59797; gnomAD exomes 0.59911 and 0.54920; 1000 Genomes Project 30x 0.66427; 1000 Genomes Project 0.65435; ESP Exome Variant Server 0.62840; gnomAD 0.62915 and 0.63057; TOPMed 0.64782.
gnomAD v4.1: 898,630 of 1,611,088 alleles (56%); highest among the groups gnomAD compares: African/African-American, 82%; 255,769 homozygotes.

Submissions (5):

Labcorp Genetics (formerly Invitae), Labcorp
Classification: Benign. Last evaluated: 2026-02-03. Review status: criteria provided, single submitter. Criteria: Invitae Variant Classification Sherloc (09022015). Collection method: clinical testing. Allele origin: germline.

Genome-Nilou Lab
Classification: Benign for Age related macular degeneration 1. Last evaluated: 2023-04-11. Review status: criteria provided, single submitter. Criteria: ACMG Guidelines, 2015. Collection method: clinical testing. Allele origin: germline. Affected: no.

GeneDx
Classification: Benign. Last evaluated: 2019-12-01. Review status: criteria provided, single submitter. Criteria: GeneDx Variant Classification Process June 2021. Collection method: clinical testing. Allele origin: germline. Affected: yes.

Illumina Laboratory Services, Illumina
Classification: Benign for Age related macular degeneration 1. Last evaluated: 2018-01-13. Review status: criteria provided, single submitter. Criteria: ICSL Variant Classification Criteria 13 December 2019. Collection method: clinical testing. Allele origin: germline.
Comment: This variant was observed in the ICSL laboratory as part of a predisposition screen in an ostensibly healthy population. It had not been previously curated by ICSL or reported in the Human Gene Mutation Database (HGMD: prior to June 1st, 2018), and was therefore a candidate for classification through an automated scoring system. Utilizing variant allele frequency, disease prevalence and penetrance estimates, and inheritance mode, an automated score was calculated to assess if this variant is too frequent to cause the disease. Based on the score and internal cut-off values, a variant classified as benign is not then subjected to further curation. The score for this variant resulted in a classification of benign for this disease.

Breakthrough Genomics
Classification: Benign. Review status: criteria provided, single submitter. Criteria: ACMG Guidelines, 2015. Collection method: not provided. Allele origin: germline. Inheritance: Autosomal dominant inheritance. Affected: yes.

NM_031935.3(HMCN1):c.7371C>T (p.Cys2457=)

Gene: HMCN1 (hemicentin 1; plus strand). Cytogenetic location: 1q31.1.
Variant type: single nucleotide variant.
Coding change: c.7371C>T on transcript NM_031935.3 (MANE Select); coding-DNA position 7371, C replaced by T.
Protein change: p.Cys2457=; no amino-acid change (cysteine 2457 retained).
Molecular consequence: synonymous variant.
Genome position (GRCh38, 1-based): chr1:186,061,909, C>T. VCF-style: chr1-186061909-C-T. GRCh37 (hg19) VCF-style: chr1-186031041-C-T.
Identifiers: ClinVar variation 294186 (VCV000294186.15), dbSNP rs7522627, ClinGen allele CA1292813.
Genomic context (GRCh38, chr1:186,061,909, plus strand): 5'-AGGAGGCAGGATGCTACGGCTGATGCAGACCACAATGGAAGATGCTGGCCAATATACTTG[C>T]GTTGTAAGGAATGCAGCTGGTGAAGAAAGAAAAATCTTTGGGCTTTCAGTATTAGGTACT-3'
Protein context (NP_114141.2, residues 2447-2467): TTMEDAGQYT[Cys2457=]VVRNAAGEER